The following is an entry in ClinVar:

NM_000183.3(HADHB):c.106C>T (p.Pro36Ser)

Gene: HADHB (hydroxyacyl-CoA dehydrogenase trifunctional multienzyme complex subunit beta; plus strand). Cytogenetic location: 2p23.3.
Variant type: single nucleotide variant.
Coding change: c.106C>T on transcript NM_000183.3 (MANE Select); coding-DNA position 106, C replaced by T.
Protein change: p.Pro36Ser; replaces proline 36 with serine.
Molecular consequence: missense variant. On other transcripts: 5 prime UTR variant (1).
Genome position (GRCh38, 1-based): chr2:26,254,471, C>T. VCF-style: chr2-26254471-C-T. GRCh37 (hg19) VCF-style: chr2-26477339-C-T.
Other names: c.106C>T, p.Pro36Ser (NM_001281512.2); c.-44C>T (NM_001281513.2); short protein forms P36S.
Identifiers: ClinVar variation 2161419 (VCV002161419.1), dbSNP rs781309147, ClinGen allele CA1560086.

ClinVar aggregate classification (germline): Uncertain significance (1 of 4 stars; one submission).

Conditions:
Mitochondrial trifunctional protein deficiency. Identifiers: Orphanet 746, MedGen C1969443, MONDO:0012172.

Allele frequency attached by ClinVar (database versions not stated): gnomAD 0.00001; TOPMed 0.00001; ExAC 0.00002.
gnomAD v4.1: 53 of 1,564,284 alleles (0.0034%); highest among the groups gnomAD compares: Non-Finnish European, 0.0046%; no homozygotes.

Submission:

Labcorp Genetics (formerly Invitae), Labcorp
Classification: Uncertain significance for Mitochondrial trifunctional protein deficiency. Last evaluated: 2022-05-25. Review status: criteria provided, single submitter. Criteria: Invitae Variant Classification Sherloc (09022015). Collection method: clinical testing. Allele origin: germline.
Comment: This sequence change replaces proline, which is neutral and non-polar, with serine, which is neutral and polar, at codon 36 of the HADHB protein (p.Pro36Ser). This variant is present in population databases (rs781309147, gnomAD 0.004%). This variant has not been reported in the literature in individuals affected with HADHB-related conditions. Algorithms developed to predict the effect of missense changes on protein structure and function (SIFT, PolyPhen-2, Align-GVGD) all suggest that this variant is likely to be tolerated. In summary, the available evidence is currently insufficient to determine the role of this variant in disease. Therefore, it has been classified as a Variant of Uncertain Significance.